The following is an entry in ClinVar:

ClinVar aggregate classification (germline): Uncertain significance (1 of 4 stars; one submission).

gnomAD v4.1: 16 of 1,612,600 alleles (0.00099%); highest among the groups gnomAD compares: East Asian, 0.0067%; no homozygotes.

Submission:

Labcorp Genetics (formerly Invitae), Labcorp
Classification: Uncertain significance. Last evaluated: 2025-05-19. Review status: criteria provided, single submitter. Criteria: Invitae Variant Classification Sherloc (09022015). Collection method: clinical testing. Allele origin: germline.
Comment: This sequence change replaces glycine, which is neutral and non-polar, with arginine, which is basic and polar, at codon 2494 of the ACAN protein (p.Gly2494Arg). This variant is present in population databases (rs746885216, gnomAD 0.01%). This variant has not been reported in the literature in individuals affected with ACAN-related conditions. An algorithm developed to predict the effect of missense changes on protein structure and function (PolyPhen-2) suggests that this variant is likely to be disruptive. In summary, the available evidence is currently insufficient to determine the role of this variant in disease. Therefore, it has been classified as a Variant of Uncertain Significance.

NM_001369268.1(ACAN):c.7594G>A (p.Gly2532Arg)

Gene: ACAN (aggrecan; plus strand). Cytogenetic location: 15q26.1.
Variant type: single nucleotide variant.
Coding change: c.7594G>A on transcript NM_001369268.1 (MANE Select); coding-DNA position 7594, G replaced by A.
Protein change: p.Gly2532Arg; replaces glycine 2532 with arginine.
Molecular consequence: missense variant. On other transcripts: intron variant (1).
Genome position (GRCh38, 1-based): chr15:88,873,988, G>A. VCF-style: chr15-88873988-G-A. GRCh37 (hg19) VCF-style: chr15-89417219-G-A.
Other names: c.7366G>A, p.Gly2456Arg (NM_001411096.1); c.7480G>A, p.Gly2494Arg (NM_001411097.1, NM_013227.4); c.7220-417G>A (NM_001135.4); short protein forms G2494R, G2456R, G2532R.
Identifiers: ClinVar variation 4691133 (VCV004691133.1).